The following is an entry in ClinVar:

NM_001849.4(COL6A2):c.679G>A (p.Asp227Asn)

Gene: COL6A2 (collagen type VI alpha 2 chain; plus strand). Cytogenetic location: 21q22.3.
Variant type: single nucleotide variant.
Coding change: c.679G>A on transcript NM_001849.4 (MANE Select); coding-DNA position 679, G replaced by A.
Protein change: p.Asp227Asn; replaces aspartic acid 227 with asparagine.
Molecular consequence: missense variant.
Genome position (GRCh38, 1-based): chr21:46,112,542, G>A. VCF-style: chr21-46112542-G-A. GRCh37 (hg19) VCF-style: chr21-47532456-G-A.
Other names: c.679G>A, p.Asp227Asn (NM_058174.3, NM_058175.3); short protein forms D227N.
Identifiers: ClinVar variation 93956 (VCV000093956.35), dbSNP rs35881321, ClinGen allele CA147507.

ClinVar aggregate classification (germline): Benign/Likely benign. Review status: criteria provided, multiple submitters, no conflicts (2 of 4 stars). 14 submissions from 14 submitters: Benign (7); Likely benign (2). 5 of the submissions do not count toward it. Last evaluated 2026-02-02.

Conditions:
Collagen 6-related myopathy. Identifiers: MedGen CN117976, MONDO:0100225.
Bethlem myopathy 1A. Also called: MYOPATHY, BENIGN CONGENITAL, WITH CONTRACTURES; Bethlem myopathy 1; Bethlem Muscular Dystrophy. Identifiers: Orphanet 610, MedGen CN029274, MONDO:0024530, OMIM 158810.

Allele frequency attached by ClinVar (database versions not stated): 1000 Genomes Project 0.02057; gnomAD exomes 0.02123 and 0.02573; gnomAD 0.02685 and 0.02615; 1000 Genomes Project 30x 0.02092; ExAC 0.02106; TOPMed 0.02756; ESP Exome Variant Server 0.02711.
gnomAD v4.1: 41,483 of 1,611,910 alleles (2.6%); highest among the groups gnomAD compares: African/African-American, 3.1%; 622 homozygotes.

Submissions (14):

Labcorp Genetics (formerly Invitae), Labcorp
Classification: Benign for Bethlem myopathy 1A. Last evaluated: 2026-02-02. Review status: criteria provided, single submitter. Criteria: Invitae Variant Classification Sherloc (09022015). Collection method: clinical testing. Allele origin: germline.

CeGaT Center for Human Genetics Tuebingen
Classification: Benign. Last evaluated: 2025-03-01. Review status: criteria provided, single submitter. Criteria: CeGaT Center For Human Genetics Tuebingen Variant Classification Criteria Version 2. Collection method: clinical testing. Allele origin: germline. Affected: yes. Observed: 1 variant allele.
Comment: COL6A2: BP4, BS1, BS2

Athena Diagnostics
Classification: Benign. Last evaluated: 2025-01-07. Review status: criteria provided, single submitter. Criteria: Athena Diagnostics Criteria. Collection method: clinical testing. Allele origin: unknown.
Comment: The frequency of this variant in the general population is higher than would generally be expected for pathogenic variants in this gene.

Illumina Laboratory Services, Illumina
Classification: Benign for Collagen VI-related myopathy. Last evaluated: 2018-01-12. Review status: criteria provided, single submitter. Criteria: ICSL Variant Classification Criteria 13 December 2019. Collection method: clinical testing. Allele origin: germline.
Comment: This variant was observed in the ICSL laboratory as part of a predisposition screen in an ostensibly healthy population. It had not been previously curated by ICSL or reported in the Human Gene Mutation Database (HGMD: prior to June 1st, 2018), and was therefore a candidate for classification through an automated scoring system. Utilizing variant allele frequency, disease prevalence and penetrance estimates, and inheritance mode, an automated score was calculated to assess if this variant is too frequent to cause the disease. Based on the score and internal cut-off values, a variant classified as benign is not then subjected to further curation. The score for this variant resulted in a classification of benign for this disease.

Mayo Clinic Laboratories, Mayo Clinic
Classification: Benign. Last evaluated: 2017-12-19. Review status: criteria provided, single submitter. Criteria: ACMG Guidelines, 2015. Collection method: clinical testing. Allele origin: germline. Observed: 37 variant alleles.

GeneDx
Classification: Benign. Last evaluated: 2016-02-26. Review status: criteria provided, single submitter. Criteria: GeneDx Variant Classification (06012015). Collection method: clinical testing. Allele origin: germline. Affected: yes.
Comment: This variant is considered likely benign or benign based on one or more of the following criteria: it is a conservative change, it occurs at a poorly conserved position in the protein, it is predicted to be benign by multiple in silico algorithms, and/or has population frequency not consistent with disease.

Eurofins Ntd Llc (ga)
Classification: Benign. Last evaluated: 2012-09-06. Review status: criteria provided, single submitter. Criteria: EGL Classification Definitions 2015. Collection method: clinical testing. Allele origin: germline. Observed: 7 variant alleles, 7 heterozygotes.

Breakthrough Genomics
Classification: Likely benign. Review status: criteria provided, single submitter. Criteria: ACMG Guidelines, 2015. Collection method: not provided. Allele origin: germline. Inheritance: Autosomal recessive inheritance. Affected: yes.

PreventionGenetics, part of Exact Sciences
Classification: Likely benign. Review status: criteria provided, single submitter. Criteria: ACMG Guidelines, 2015. Collection method: clinical testing. Allele origin: germline.

Clinical Genetics, Academic Medical Center
Classification: Benign. Review status: no assertion criteria provided. Collection method: clinical testing. Allele origin: germline. Affected: yes. Study: VKGL Data-share Consensus. Not counted in ClinVar's aggregate classification.

Genetic Services Laboratory, University of Chicago
Classification: Likely benign for AllHighlyPenetrant. Review status: no assertion criteria provided. Collection method: clinical testing. Allele origin: germline. Not counted in ClinVar's aggregate classification.
Comment: Likely benign based on allele frequency in 1000 Genomes Project or ESP global frequency and its presence in a patient with a rare or unrelated disease phenotype. NOT Sanger confirmed.

Genome Diagnostics Laboratory, University Medical Center Utrecht
Classification: Benign. Review status: no assertion criteria provided. Collection method: clinical testing. Allele origin: germline. Affected: yes. Study: VKGL Data-share Consensus. Not counted in ClinVar's aggregate classification.

Joint Genome Diagnostic Labs from Nijmegen and Maastricht, Radboudumc and MUMC+
Classification: Benign. Review status: no assertion criteria provided. Collection method: clinical testing. Allele origin: germline. Affected: yes. Study: VKGL Data-share Consensus. Not counted in ClinVar's aggregate classification.

Laboratory of Diagnostic Genome Analysis, Leiden University Medical Center (LUMC)
Classification: Likely benign. Review status: no assertion criteria provided. Collection method: clinical testing. Allele origin: germline. Affected: yes. Study: VKGL Data-share Consensus. Not counted in ClinVar's aggregate classification.

Literature cited by the submitters: PubMed 15689448 (cited by Athena Diagnostics); PubMed 27782108 (cited by Athena Diagnostics); PubMed 31949757 (cited by Athena Diagnostics); PubMed 37569848 (cited by Athena Diagnostics).